The following is an entry in ClinVar:

NM_004385.5(VCAN):c.1800C>T (p.Val600=)

Gene: VCAN (versican; plus strand). Cytogenetic location: 5q14.3.
Variant type: single nucleotide variant.
Coding change: c.1800C>T on transcript NM_004385.5 (MANE Select); coding-DNA position 1800, C replaced by T.
Protein change: p.Val600=; no amino-acid change (valine 600 retained).
Molecular consequence: synonymous variant. On other transcripts: intron variant (2).
Genome position (GRCh38, 1-based): chr5:83,520,106, C>T. VCF-style: chr5-83520106-C-T. GRCh37 (hg19) VCF-style: chr5-82815925-C-T.
Other names: c.1800C>T (NM_004385.4); c.1800C>T, p.Val600= (NM_001164098.2); c.1042+7710C>T (NM_001164097.2, NM_001126336.3).
Identifiers: ClinVar variation 1116957 (VCV001116957.11), dbSNP rs376175731, ClinGen allele CA3332731.
Genomic context (GRCh38, chr5:83,520,106, plus strand): 5'-TACGGTGTCAAAGACTTCAGAAGACACCATCCACACTCATTTAGAAGACTTGGAGTCAGT[C>T]TCAGCATCCACAACTGTTTCCCCTTTAATTATGCCTGATAATAATGGATCATCCATGGAT-3'
Protein context (NP_004376.2, residues 590-610): IHTHLEDLES[Val600=]SASTTVSPLI

ClinVar aggregate classification (germline): Likely benign. Review status: criteria provided, multiple submitters, no conflicts (2 of 4 stars). 3 submissions from 3 submitters: Likely benign (3). Last evaluated 2024-10-31.

Conditions:
VCAN-related disorder. Also called: VCAN-related condition.

Allele frequency attached by ClinVar (database versions not stated): gnomAD exomes below 0.00001; gnomAD 0.00001; ExAC 0.00002; TOPMed 0.00002; ESP Exome Variant Server 0.00008.

Submissions (3):

PreventionGenetics, part of Exact Sciences
Classification: Likely benign for VCAN-related condition. Last evaluated: 2024-10-31. Review status: criteria provided, single submitter. Criteria: ACMG Guidelines, 2015. Collection method: clinical testing. Allele origin: germline.
Comment: This variant is classified as likely benign based on ACMG/AMP sequence variant interpretation guidelines (Richards et al. 2015 PMID: 25741868, with internal and published modifications).

Blueprint Genetics
Classification: Likely benign. Last evaluated: 2024-02-20. Review status: criteria provided, single submitter. Criteria: ACMG Guidelines, 2015. Collection method: clinical testing. Allele origin: germline.

Labcorp Genetics (formerly Invitae), Labcorp
Classification: Likely benign. Last evaluated: 2022-07-21. Review status: criteria provided, single submitter. Criteria: Invitae Variant Classification Sherloc (09022015). Collection method: clinical testing. Allele origin: germline.